The following is an entry in ClinVar:

ClinVar aggregate classification (germline): Uncertain significance (1 of 4 stars; one submission).

Conditions:
Marfan syndrome (MFS). Also called: MARFAN SYNDROME, TYPE I; Marfan syndrome type 1; Marfan's syndrome; Marfan syndrome, classic; FBN1-Related Marfan Syndrome. Identifiers: Orphanet 284963, Orphanet 558, MedGen C0024796, MONDO:0007947, OMIM 154700.
Familial thoracic aortic aneurysm and aortic dissection (TAAD). Also called: Thoracic aortic aneurysms and dissections. Identifiers: Orphanet 91387, MedGen C4707243, MONDO:0019625.

Submission:

Labcorp Genetics (formerly Invitae), Labcorp
Classification: Uncertain significance for Marfan syndrome; Familial thoracic aortic aneurysm and aortic dissection. Last evaluated: 2023-07-29. Review status: criteria provided, single submitter. Criteria: Invitae Variant Classification Sherloc (09022015). Collection method: clinical testing. Allele origin: germline.
Comment: In summary, the available evidence is currently insufficient to determine the role of this variant in disease. Therefore, it has been classified as a Variant of Uncertain Significance. Advanced modeling of protein sequence and biophysical properties (such as structural, functional, and spatial information, amino acid conservation, physicochemical variation, residue mobility, and thermodynamic stability) has been performed at Invitae for this missense variant, however the output from this modeling did not meet the statistical confidence thresholds required to predict the impact of this variant on FBN1 protein function. This variant has not been reported in the literature in individuals affected with FBN1-related conditions. This variant is not present in population databases (gnomAD no frequency). This sequence change replaces leucine, which is neutral and non-polar, with valine, which is neutral and non-polar, at codon 2787 of the FBN1 protein (p.Leu2787Val).

NM_000138.5(FBN1):c.8359C>G (p.Leu2787Val)

Gene: FBN1 (fibrillin 1; minus strand). Cytogenetic location: 15q21.1.
Variant type: single nucleotide variant.
Coding change: c.8359C>G on transcript NM_000138.5 (MANE Select); coding-DNA position 8359, C replaced by G.
Protein change: p.Leu2787Val; replaces leucine 2787 with valine.
Molecular consequence: missense variant.
Genome position (GRCh38, 1-based): chr15:48,411,247, G>C on the plus strand (C>G on the coding strand, the complement: FBN1 is on the minus strand). VCF-style: chr15-48411247-G-C. GRCh37 (hg19) VCF-style: chr15-48703444-G-C.
Other names: c.8359C>G, p.Leu2787Val (NM_001406716.1); short protein forms L2787V.
Identifiers: ClinVar variation 2949920 (VCV002949920.3), dbSNP rs2505371351, ClinGen allele CA392319393.